The following is an entry in ClinVar:

ClinVar aggregate classification (germline): Uncertain significance (1 of 4 stars; one submission).

Submission:

Labcorp Genetics (formerly Invitae), Labcorp
Classification: Uncertain significance. Last evaluated: 2025-03-06. Review status: criteria provided, single submitter. Criteria: Invitae Variant Classification Sherloc (09022015). Collection method: clinical testing. Allele origin: germline.
Comment: This sequence change replaces valine, which is neutral and non-polar, with isoleucine, which is neutral and non-polar, at codon 80 of the NDUFA9 protein (p.Val80Ile). This variant is present in population databases (rs376906663, gnomAD 0.003%). This variant has not been reported in the literature in individuals affected with NDUFA9-related conditions. An algorithm developed to predict the effect of missense changes on protein structure and function (PolyPhen-2) suggests that this variant is likely to be tolerated. In summary, the available evidence is currently insufficient to determine the role of this variant in disease. Therefore, it has been classified as a Variant of Uncertain Significance.

NM_005002.5(NDUFA9):c.238G>A (p.Val80Ile)

Gene: NDUFA9 (NADH:ubiquinone oxidoreductase subunit A9; plus strand). Cytogenetic location: 12p13.32.
Variant type: single nucleotide variant.
Coding change: c.238G>A on transcript NM_005002.5 (MANE Select); coding-DNA position 238, G replaced by A.
Protein change: p.Val80Ile; replaces valine 80 with isoleucine.
Molecular consequence: missense variant.
Genome position (GRCh38, 1-based): chr12:4,654,842, G>A. VCF-style: chr12-4654842-G-A. GRCh37 (hg19) VCF-style: chr12-4764008-G-A.
Other names: short protein forms V80I.
Identifiers: ClinVar variation 4698690 (VCV004698690.1).